The following is an entry in ClinVar:

NM_000077.5(CDKN2A):c.133G>C (p.Gly45Arg)

Gene: CDKN2A (cyclin dependent kinase inhibitor 2A; minus strand). Cytogenetic location: 9p21.3.
Variant type: single nucleotide variant.
Coding change: c.133G>C on transcript NM_000077.5; coding-DNA position 133, G replaced by C.
Protein change: p.Gly45Arg; replaces glycine 45 with arginine.
Molecular consequence: missense variant (on NM_000077.6). On other transcripts: intron variant (2).
Genome position (GRCh38, 1-based): chr9:21,974,695, C>G on the plus strand (G>C on the coding strand, the complement: CDKN2A is on the minus strand). VCF-style: chr9-21974695-C-G. GRCh37 (hg19) VCF-style: chr9-21974694-C-G.
Other names: c.133G>C, p.Gly45Arg (NM_000077.6, NM_001195132.2, NM_058197.5); c.-3-3487G>C (NM_001363763.2); c.194-3487G>C (NM_058195.4); short protein forms G45R.
Identifiers: ClinVar variation 463483 (VCV000463483.13), dbSNP rs1328708469, ClinGen allele CA373086504.
Genomic context (GRCh38, chr9:21,974,695, plus strand): 5'-GTCGCCCGCCATCCCCTGCTCCCGCTGCAGACCCTCTACCCACCTGGATCGGCCTCCGAC[C>G]GTAACTATTCGGTGCGTTGGGCAGCGCCCCCGCCTCCAGCAGCGCCCGCACCTCCTCTAC-3'
Protein context (NP_000068.1, residues 35-55): GALPNAPNSY[Gly45Arg]RRPIQVMMMG

ClinVar aggregate classification (germline): Uncertain significance. Review status: criteria provided, multiple submitters, no conflicts (2 of 4 stars). 3 submissions from 3 submitters: Uncertain significance (3). Last evaluated 2025-08-25.

Conditions:
Familial melanoma. Also called: Hereditary melanoma; Hereditary cutaneous melanoma. Identifiers: Orphanet 618, MedGen C1512419, MONDO:0018961.
Hereditary cancer-predisposing syndrome. Also called: Hereditary neoplastic syndrome; Neoplastic Syndromes, Hereditary; Hereditary Cancer Syndrome; Tumor predisposition. Identifiers: Orphanet 140162, MedGen C0027672, MeSH D009386, MONDO:0015356.

Allele frequency attached by ClinVar (database versions not stated): TOPMed 0.00001.
gnomAD v4.1: 1 of 1,613,826 alleles (0.000062%); highest among the groups gnomAD compares: East Asian, 0.0022%; no homozygotes.

Submissions (3):

Color Diagnostics, LLC DBA Color Health
Classification: Uncertain significance for Hereditary cancer-predisposing syndrome. Last evaluated: 2025-08-25. Review status: criteria provided, single submitter. Criteria: ACMG Guidelines, 2015. Collection method: clinical testing. Allele origin: germline.
Comment: The CDKN2A locus encodes two different gene products, p16INK4a and p14ARF. This missense variant replaces glycine with arginine at codon 45 of the CDKN2A (p16INK4A) protein. Computational prediction suggests that this variant may have deleterious impact on protein structure and function. To our knowledge, functional studies have not been reported for this variant. This variant has been reported in an individual affected with acute pancreatitis (PMID: 35171259). This variant has not been identified in the general population by the Genome Aggregation Database (gnomAD). The available evidence is insufficient to determine the role of this variant in disease conclusively. Therefore, this variant is classified as a Variant of Uncertain Significance.

Labcorp Genetics (formerly Invitae), Labcorp
Classification: Uncertain significance for Familial melanoma. Last evaluated: 2025-03-18. Review status: criteria provided, single submitter. Criteria: Invitae Variant Classification Sherloc (09022015). Collection method: clinical testing. Allele origin: germline.
Comment: This sequence change replaces glycine, which is neutral and non-polar, with arginine, which is basic and polar, at codon 45 of the CDKN2A (p16INK4a) protein (p.Gly45Arg). This variant is not present in population databases (gnomAD no frequency). This variant has not been reported in the literature in individuals affected with CDKN2A (p16INK4a)-related conditions. ClinVar contains an entry for this variant (Variation ID: 463483). An algorithm developed to predict the effect of missense changes on protein structure and function (PolyPhen-2) suggests that this variant is likely to be disruptive. In summary, the available evidence is currently insufficient to determine the role of this variant in disease. Therefore, it has been classified as a Variant of Uncertain Significance.

Ambry Genetics
Classification: Uncertain significance for Hereditary cancer-predisposing syndrome. Last evaluated: 2024-01-16. Review status: criteria provided, single submitter. Criteria: Ambry Variant Classification Scheme 2023. Collection method: clinical testing. Allele origin: germline.
Comment: The p.G45R variant (also known as c.133G>C), located in coding exon 1 of the CDKN2A gene, results from a G to C substitution at nucleotide position 133. The glycine at codon 45 is replaced by arginine, an amino acid with dissimilar properties. This amino acid position is highly conserved in available vertebrate species. In addition, this alteration is predicted to be deleterious by in silico analysis. Since supporting evidence is limited at this time, the clinical significance of this alteration remains unclear.

Literature cited by the submitters: PubMed 35171259 (cited by Color Diagnostics, LLC DBA Color Health and Ambry Genetics).